The following is an entry in ClinVar:

ClinVar aggregate classification (germline): Pathogenic (1 of 4 stars; one submission).

Submission:

Labcorp Genetics (formerly Invitae), Labcorp
Classification: Pathogenic. Last evaluated: 2023-09-21. Review status: criteria provided, single submitter. Criteria: Invitae Variant Classification Sherloc (09022015). Collection method: clinical testing. Allele origin: germline.
Comment: This variant is not present in population databases (gnomAD no frequency). This sequence change creates a premature translational stop signal (p.Glu271Thrfs*22) in the LZTR1 gene. It is expected to result in an absent or disrupted protein product. Loss-of-function variants in LZTR1 are known to be pathogenic (PMID: 24362817, 25335493, 25480913, 25795793, 29469822, 30368668, 30442762, 30442766, 30481304, 30859559). This variant has not been reported in the literature in individuals affected with LZTR1-related conditions. For these reasons, this variant has been classified as Pathogenic.

Literature cited by the submitters: PubMed 24362817; PubMed 25335493; PubMed 25480913; PubMed 25795793; PubMed 29469822; PubMed 30368668; PubMed 30442762; PubMed 30442766; PubMed 30481304; PubMed 30859559.

NM_006767.4(LZTR1):c.811_812del (p.Glu271fs)

Gene: LZTR1 (leucine zipper like post translational regulator 1; plus strand). Cytogenetic location: 22q11.21.
Variant type: Deletion.
Coding change: c.811_812del on transcript NM_006767.4 (MANE Select); coding-DNA positions 811 to 812, 2 bases deleted (GA; older notation c.811_812delGA).
Protein change: p.Glu271fs; shifts the reading frame from glutamic acid 271.
Molecular consequence: frameshift variant.
Genome position (GRCh38, 1-based): chr22:20,991,647-20,991,648, GA deleted. VCF-style (leftmost placement, unchanged base first): chr22-20991646-TGA-T. GRCh37 (hg19) VCF-style: chr22-21345935-TGA-T.
Other names: short protein forms E271fs.
Identifiers: ClinVar variation 2762419 (VCV002762419.3), dbSNP rs2518616957, ClinGen allele CA2697547672.